The following is an entry in ClinVar:

ClinVar aggregate classification (germline): Uncertain significance (1 of 4 stars; one submission).

Conditions:
Cardiovascular phenotype. Identifiers: MedGen CN230736.

gnomAD v4.1: 1 of 1,456,584 alleles (0.000069%); highest among the groups gnomAD compares: Admixed American, 0.0026%; no homozygotes.

Submission:

Ambry Genetics
Classification: Uncertain significance for Cardiovascular phenotype. Last evaluated: 2025-11-15. Review status: criteria provided, single submitter. Criteria: Ambry Variant Classification Scheme 2023. Collection method: clinical testing. Allele origin: germline.
Comment: The p.D134Y variant (also known as c.400G>T), located in coding exon 4 of the TRDN gene, results from a G to T substitution at nucleotide position 400. The aspartic acid at codon 134 is replaced by tyrosine, an amino acid with highly dissimilar properties. This amino acid position is conserved. In addition, this alteration is predicted to be tolerated by in silico analysis. Based on the available evidence, the clinical significance of this variant remains unclear.

NM_006073.4(TRDN):c.400G>T (p.Asp134Tyr)

Gene: TRDN (triadin; minus strand). Cytogenetic location: 6q22.31.
Variant type: single nucleotide variant.
Coding change: c.400G>T on transcript NM_006073.4 (MANE Select); coding-DNA position 400, G replaced by T.
Protein change: p.Asp134Tyr; replaces aspartic acid 134 with tyrosine.
Molecular consequence: missense variant.
Genome position (GRCh38, 1-based): chr6:123,547,364, C>A on the plus strand (G>T on the coding strand, the complement: TRDN is on the minus strand). VCF-style: chr6-123547364-C-A. GRCh37 (hg19) VCF-style: chr6-123868509-C-A.
Other names: c.400G>T, p.Asp134Tyr (NM_001251987.2, NM_001256020.2, NM_001256021.2 and 2 more transcripts); short protein forms D134Y.
Identifiers: ClinVar variation 4615246 (VCV004615246.1).
Genomic context (GRCh38, chr6:123,547,364, plus strand): 5'-GAAAAATAATTATTATCAAAGGTGAAAACAACTAACCTTTTTTTCTCAAGGGAGGCTCAT[C>A]TATTTCTCCTAGACCAAGATTAAAAGAAAAACAAAGTTAGAAAATATTTTAGCATAGAAT-3'
Protein context (NP_006064.2, residues 124-144): GDEDTDKGEI[Asp134Tyr]EPPLRKKEIH